The following is an entry in ClinVar:

NM_014738.6(TMEM94):c.1256A>G (p.Gln419Arg)

Gene: TMEM94 (transmembrane protein 94; plus strand). Cytogenetic location: 17q25.1.
Variant type: single nucleotide variant.
Coding change: c.1256A>G on transcript NM_014738.6 (MANE Select); coding-DNA position 1256, A replaced by G.
Protein change: p.Gln419Arg; replaces glutamine 419 with arginine.
Molecular consequence: missense variant.
Genome position (GRCh38, 1-based): chr17:75,491,325, A>G. VCF-style: chr17-75491325-A-G. GRCh37 (hg19) VCF-style: chr17-73487406-A-G.
Other names: c.1286A>G, p.Gln429Arg (NM_001321148.2, NM_001351203.2, NM_001438843.1 and 1 more transcripts); c.1256A>G, p.Gln419Arg (NM_001321149.2, NM_001351202.2, NM_001438841.1 and 5 more transcripts); short protein forms Q419R, Q429R.
Identifiers: ClinVar variation 4999085 (VCV004999085.1).
Genomic context (GRCh38, chr17:75,491,325, plus strand): 5'-GCCAGGCCCCTTTCCTATCTCAAATGCTTTCCATGCAGGTCCTGTGCTGTGTGGACAAAC[A>G]GGGGATCCTGTCATGGCCAAATCCCAGCCCAGAGACTGTACTGTTCTTCAGCGGGAAGGT-3'
Protein context (NP_055553.3, residues 409-429): SVTVLCCVDK[Gln419Arg]GILSWPNPSP

ClinVar aggregate classification (germline): Uncertain significance (1 of 4 stars; one submission).

Conditions:
TMEM94-related disorder. Also called: TMEM94-related condition.

gnomAD v4.1: 2 of 1,614,110 alleles (0.00012%); highest among the groups gnomAD compares: Non-Finnish European, 0.00017%; no homozygotes.

Submission:

PreventionGenetics, part of Exact Sciences
Classification: Uncertain significance for TMEM94-related condition. Last evaluated: 2025-03-13. Review status: criteria provided, single submitter. Criteria: ACMG Guidelines, 2015. Collection method: clinical testing. Allele origin: germline.
Comment: The TMEM94 c.1256A>G variant is predicted to result in the amino acid substitution p.Gln419Arg. To our knowledge, this variant has not been reported in the literature or in a large population database (gnomAD), indicating this variant is rare. At this time, the clinical significance of this variant is uncertain due to the absence of conclusive functional and genetic evidence.